The following is an entry in ClinVar:

NM_003676.4(DEGS1):c.398G>A (p.Arg133Gln)

Gene: DEGS1 (delta 4-desaturase, sphingolipid 1; plus strand). Cytogenetic location: 1q42.11.
Variant type: single nucleotide variant.
Coding change: c.398G>A on transcript NM_003676.4 (MANE Select); coding-DNA position 398, G replaced by A.
Protein change: p.Arg133Gln; replaces arginine 133 with glutamine.
Molecular consequence: missense variant.
Genome position (GRCh38, 1-based): chr1:224,189,892, G>A. VCF-style: chr1-224189892-G-A. GRCh37 (hg19) VCF-style: chr1-224377594-G-A.
Other names: c.398G>A, p.Arg133Gln (NM_001321541.2); c.290G>A, p.Arg97Gln (NM_001321542.2); short protein forms R133Q, R97Q.
Identifiers: ClinVar variation 1976531 (VCV001976531.5), dbSNP rs753256626, ClinGen allele CA1413624.

ClinVar aggregate classification (germline): Uncertain significance (1 of 4 stars; one submission).

Allele frequency attached by ClinVar (database versions not stated): ExAC 0.00001.
gnomAD v4.1: 8 of 1,614,120 alleles (0.0005%); highest among the groups gnomAD compares: South Asian, 0.0044%; 1 homozygote.

Submission:

Labcorp Genetics (formerly Invitae), Labcorp
Classification: Uncertain significance. Last evaluated: 2022-11-01. Review status: criteria provided, single submitter. Criteria: Invitae Variant Classification Sherloc (09022015). Collection method: clinical testing. Allele origin: germline.
Comment: This sequence change replaces arginine, which is basic and polar, with glutamine, which is neutral and polar, at codon 133 of the DEGS1 protein (p.Arg133Gln). This variant is present in population databases (rs753256626, gnomAD 0.003%). This variant has not been reported in the literature in individuals affected with DEGS1-related conditions. Advanced modeling of protein sequence and biophysical properties (such as structural, functional, and spatial information, amino acid conservation, physicochemical variation, residue mobility, and thermodynamic stability) has been performed at Invitae for this missense variant, however the output from this modeling did not meet the statistical confidence thresholds required to predict the impact of this variant on DEGS1 protein function. In summary, the available evidence is currently insufficient to determine the role of this variant in disease. Therefore, it has been classified as a Variant of Uncertain Significance.